The following is an entry in ClinVar:

NM_000264.5(PTCH1):c.*787C>T

Gene: PTCH1 (patched 1; minus strand). Cytogenetic location: 9q22.32.
Variant type: single nucleotide variant.
Coding change: c.*787C>T on transcript NM_000264.5 (MANE Select); 787 bases downstream of the stop codon, C replaced by T.
Molecular consequence: 3 prime UTR variant. On other transcripts: non-coding transcript variant (1).
Genome position (GRCh38, 1-based): chr9:95,445,606, G>A on the plus strand (C>T on the coding strand, the complement: PTCH1 is on the minus strand). VCF-style: chr9-95445606-G-A. GRCh37 (hg19) VCF-style: chr9-98207888-G-A.
Other names: c.*787C>T (NM_001083602.3, NM_001083603.3, NM_001083604.3 and 4 more transcripts).
Identifiers: ClinVar variation 913100 (VCV000913100.4), dbSNP rs144656847, ClinGen allele CA196554540.
Genomic context (GRCh38, chr9:95,445,606, plus strand): 5'-TGATCATAAGAGATGCCGTAGACACGAGGAGAGTCTAGCTTTTGCCGGGCTGATTTGAAA[G>A]GATTAGGTGGATGTTTAGGGCCAGCCCTCACCAGCACGAAGAAAAGATATCCTGACGCTT-3'

ClinVar aggregate classification (germline): Benign/Likely benign. Review status: criteria provided, single submitter (1 of 4 stars). 2 submissions from 1 submitter: Benign (1); Likely benign (1). Last evaluated 2018-01-12.

Conditions:
Gorlin syndrome. Also called: Basal cell nevus syndrome; Nevoid Basal Cell Carcinoma Syndrome. Identifiers: Orphanet 377, MedGen C0004779, MONDO:0007187.
Holoprosencephaly 7 (HPE7). Identifiers: Orphanet 2162, MedGen C1835820, MONDO:0012562, OMIM 610828.

Allele frequency attached by ClinVar (database versions not stated): gnomAD 0.00030 and 0.00036; TOPMed 0.00043; 1000 Genomes Project 0.00140; 1000 Genomes Project 30x 0.00141.

Submissions (2):

Illumina Laboratory Services, Illumina
Classification: Likely benign for Holoprosencephaly 7. Last evaluated: 2018-01-12. Review status: criteria provided, single submitter. Criteria: ICSL Variant Classification Criteria 13 December 2019. Collection method: clinical testing. Allele origin: germline.
Comment: This variant was observed in the ICSL laboratory as part of a predisposition screen in an ostensibly healthy population. It had not been previously curated by ICSL or reported in the Human Gene Mutation Database (HGMD: prior to June 1st, 2018), and was therefore a candidate for classification through an automated scoring system. Utilizing variant allele frequency, disease prevalence and penetrance estimates, and inheritance mode, an automated score was calculated to assess if this variant is too frequent to cause the disease. Based on the score and internal cut-off values, a variant classified as likely benign is not then subjected to further curation. The score for this variant resulted in a classification of likely benign for this disease.

Illumina Laboratory Services, Illumina
Classification: Benign for Basal cell nevus syndrome 1. Last evaluated: 2018-01-12. Review status: criteria provided, single submitter. Criteria: ICSL Variant Classification Criteria 13 December 2019. Collection method: clinical testing. Allele origin: germline.
Comment: This variant was observed in the ICSL laboratory as part of a predisposition screen in an ostensibly healthy population. It had not been previously curated by ICSL or reported in the Human Gene Mutation Database (HGMD: prior to June 1st, 2018), and was therefore a candidate for classification through an automated scoring system. Utilizing variant allele frequency, disease prevalence and penetrance estimates, and inheritance mode, an automated score was calculated to assess if this variant is too frequent to cause the disease. Based on the score and internal cut-off values, a variant classified as benign is not then subjected to further curation. The score for this variant resulted in a classification of benign for this disease.